The following is an entry in ClinVar:

ClinVar aggregate classification (germline): Uncertain significance. Review status: criteria provided, multiple submitters, no conflicts (2 of 4 stars). 5 submissions from 5 submitters: Uncertain significance (5). Last evaluated 2024-11-05.

Conditions:
Hypertrophic cardiomyopathy. Also called: HYPERTROPHIC MYOCARDIOPATHY. Identifiers: Orphanet 217569, MedGen C0007194, MeSH D002312, MONDO:0005045, HP:0001639.
Cardiomyopathy (CMYO). Also called: Cardiomyopathies. Identifiers: Orphanet 167848, MedGen C0878544, MONDO:0004994, HP:0001638. Inheritance: Various modes of inheritance.

Allele frequency attached by ClinVar (database versions not stated): gnomAD 0.00001; gnomAD exomes 0.00001; TOPMed 0.00001.
gnomAD v4.1: 12 of 1,613,972 alleles (0.00074%); highest among the groups gnomAD compares: Admixed American, 0.0033%; no homozygotes.

Submissions (5):

Revvity Omics, Revvity
Classification: Uncertain significance. Last evaluated: 2024-11-05. Review status: criteria provided, single submitter. Criteria: ACMG Guidelines, 2015. Collection method: clinical testing. Allele origin: germline.

Labcorp Genetics (formerly Invitae), Labcorp
Classification: Uncertain significance for Hypertrophic cardiomyopathy. Last evaluated: 2024-03-02. Review status: criteria provided, single submitter. Criteria: Invitae Variant Classification Sherloc (09022015). Collection method: clinical testing. Allele origin: germline.
Comment: This sequence change replaces threonine, which is neutral and polar, with serine, which is neutral and polar, at codon 1497 of the MYH7 protein (p.Thr1497Ser). This variant is present in population databases (no rsID available, gnomAD 0.003%). This variant has not been reported in the literature in individuals affected with MYH7-related conditions. ClinVar contains an entry for this variant (Variation ID: 973032). Advanced modeling of protein sequence and biophysical properties (such as structural, functional, and spatial information, amino acid conservation, physicochemical variation, residue mobility, and thermodynamic stability) has been performed at Invitae for this missense variant, however the output from this modeling did not meet the statistical confidence thresholds required to predict the impact of this variant on MYH7 protein function. In summary, the available evidence is currently insufficient to determine the role of this variant in disease. Therefore, it has been classified as a Variant of Uncertain Significance.

All of Us Research Program, National Institutes of Health
Classification: Uncertain significance for Cardiomyopathy. Last evaluated: 2023-10-23. Review status: criteria provided, single submitter. Criteria: ACMG Guidelines, 2015. Collection method: clinical testing. Allele origin: germline. Inheritance: Autosomal dominant inheritance. Observed: 1 variant allele, 1 heterozygote.
Comment: This missense variant replaces threonine with serine at codon 1497 of the MYH7 protein. Computational prediction suggests that this variant may not impact protein structure and function (internally defined REVEL score threshold <= 0.5, PMID: 27666373). To our knowledge, functional studies have not been reported for this variant. This variant has not been reported in individuals affected with MYH7-related disorders in the literature. This variant has been identified in 3/282848 chromosomes in the general population by the Genome Aggregation Database (gnomAD). The available evidence is insufficient to determine the role of this variant in disease conclusively. Therefore, this variant is classified as a Variant of Uncertain Significance.

This study involves interpretation of variants in research participants for the purpose of population health screening. Participant phenotype was not available at the time of variant classification. Additional details can be found in publication PMID: 35346344, PMCID: PMC8962531

Color Diagnostics, LLC DBA Color Health
Classification: Uncertain significance for Cardiomyopathy. Last evaluated: 2023-10-05. Review status: criteria provided, single submitter. Criteria: ACMG Guidelines, 2015. Collection method: clinical testing. Allele origin: germline.
Comment: This missense variant replaces threonine with serine at codon 1497 of the MYH7 protein. Computational prediction suggests that this variant may not impact protein structure and function. To our knowledge, functional studies have not been reported for this variant. This variant has not been reported in individuals affected with MYH7-related disorders in the literature. This variant has been identified in 3/282848 chromosomes in the general population by the Genome Aggregation Database (gnomAD). The available evidence is insufficient to determine the role of this variant in disease conclusively. Therefore, this variant is classified as a Variant of Uncertain Significance.

CHEO Genetics Diagnostic Laboratory, Children's Hospital of Eastern Ontario
Classification: Uncertain significance for Cardiomyopathy. Last evaluated: 2019-06-24. Review status: criteria provided, single submitter. Criteria: ACMG Guidelines, 2015. Collection method: clinical testing. Allele origin: germline.

NM_000257.4(MYH7):c.4489A>T (p.Thr1497Ser)

Genes: MHRT (myosin heavy chain associated RNA transcript; plus strand), MYH7 (myosin heavy chain 7; minus strand). Cytogenetic location: 14q11.2.
Variant type: single nucleotide variant.
Coding change: c.4489A>T on transcript NM_000257.4 (MANE Select); coding-DNA position 4489, A replaced by T.
Protein change: p.Thr1497Ser; replaces threonine 1497 with serine.
Molecular consequence: missense variant.
Genome position (GRCh38, 1-based): chr14:23,417,183, T>A on the plus strand (A>T on the coding strand, the complement: MYH7 is on the minus strand). VCF-style: chr14-23417183-T-A. GRCh37 (hg19) VCF-style: chr14-23886392-T-A.
Other names: short protein forms T1497S.
Identifiers: ClinVar variation 973032 (VCV000973032.15), dbSNP rs928227757, ClinGen allele CA257811634.